The following is an entry in ClinVar:

ClinVar aggregate classification (germline): Likely pathogenic (1 of 4 stars; one submission).

Conditions:
Wilms tumor 1 (WT1). Also called: Wilms tumor, somatic. Identifiers: Orphanet 654, MedGen CN033288, MONDO:0008679, OMIM 194070.

Submission:

Labcorp Genetics (formerly Invitae), Labcorp
Classification: Likely pathogenic for Wilms tumor 1. Last evaluated: 2021-10-27. Review status: criteria provided, single submitter. Criteria: Invitae Variant Classification Sherloc (09022015). Collection method: clinical testing. Allele origin: germline.
Comment: In summary, the currently available evidence indicates that the variant is pathogenic, but additional data are needed to prove that conclusively. Therefore, this variant has been classified as Likely Pathogenic. Algorithms developed to predict the effect of sequence changes on RNA splicing suggest that this variant may disrupt the consensus splice site. Disruption of this splice site has been observed in individual(s) with clinical features of Simpson-Golabi-Behmel syndrome (Invitae). This variant is not present in population databases (gnomAD no frequency). This sequence change affects a donor splice site in intron 6 of the GPC3 gene. It is expected to disrupt RNA splicing. Variants that disrupt the donor or acceptor splice site typically lead to a loss of protein function (PMID: 16199547), and loss-of-function variants in GPC3 are known to be pathogenic (PMID: 10402475, 12713262, 17603795).

Literature cited by the submitters: PubMed 16199547; PubMed 10402475; PubMed 12713262; PubMed 17603795.

NM_004484.4(GPC3):c.1413+2T>A

Gene: GPC3 (glypican 3; minus strand). Cytogenetic location: Xq26.2.
Variant type: single nucleotide variant.
Coding change: c.1413+2T>A on transcript NM_004484.4 (MANE Select); the canonical splice donor site of the intron after coding-DNA position 1413, T replaced by A.
Molecular consequence: splice donor variant.
Genome position (GRCh38, 1-based): chrX:133,661,728, A>T on the plus strand (T>A on the coding strand, the complement: GPC3 is on the minus strand). VCF-style: chrX-133661728-A-T. GRCh37 (hg19) VCF-style: chrX-132795756-A-T.
Other names: c.1251+2T>A (NM_001164619.2); c.1365+2T>A (NM_001164618.2); c.1482+2T>A (NM_001164617.2).
Identifiers: ClinVar variation 1522039 (VCV001522039.6), dbSNP rs2124401750, ClinGen allele CA414704247.